The following is an entry in ClinVar:

NM_000113.3(TOR1A):c.462G>A (p.Trp154Ter)

Gene: TOR1A (torsin family 1 member A; minus strand). Cytogenetic location: 9q34.11.
Variant type: single nucleotide variant.
Coding change: c.462G>A on transcript NM_000113.3 (MANE Select); coding-DNA position 462, G replaced by A.
Protein change: p.Trp154Ter; replaces tryptophan 154 with a stop codon.
Molecular consequence: nonsense.
Genome position (GRCh38, 1-based): chr9:129,818,903, C>T on the plus strand (G>A on the coding strand, the complement: TOR1A is on the minus strand). VCF-style: chr9-129818903-C-T. GRCh37 (hg19) VCF-style: chr9-132581182-C-T.
Other names: short protein forms W154*.
Identifiers: ClinVar variation 4845909 (VCV004845909.1).
Genomic context (GRCh38, chr9:129,818,903, plus strand): 5'-CTTATCCATTTCATCAAATATGAAGATGGACCTCGCACAGGCACTCACGTTGCCTCGAAT[C>T]CACAACTGTAACTGATCCTGAATTAAAAGGGGAAAAAGCGAACACAAAGTTCTCAGCCAG-3'

ClinVar aggregate classification (germline): Likely pathogenic (1 of 4 stars; one submission).

Conditions:
Arthrogryposis multiplex congenita 5. Identifiers: MedGen C5436453, MONDO:0100218, OMIM 618947.

Submission:

First Genomix Gene Laboratory, Genetic Diagnostics Department
Classification: Likely pathogenic for Arthrogryposis multiplex congenita 5. Last evaluated: 2025-04-30. Review status: criteria provided, single submitter. Criteria: ACMG Guidelines, 2015. Collection method: clinical testing. Allele origin: germline. Inheritance: Autosomal recessive inheritance. Affected: no. Observed: 1 variant allele.